The following is an entry in ClinVar:

NM_003836.7(DLK1):c.99A>G (p.Gln33=)

Gene: DLK1 (delta like non-canonical Notch ligand 1; plus strand). Cytogenetic location: 14q32.2.
Variant type: single nucleotide variant.
Coding change: c.99A>G on transcript NM_003836.7 (MANE Select); coding-DNA position 99, A replaced by G.
Protein change: p.Gln33=; no amino-acid change (glutamine 33 retained).
Molecular consequence: synonymous variant.
Genome position (GRCh38, 1-based): chr14:100,728,427, A>G. VCF-style: chr14-100728427-A-G. GRCh37 (hg19) VCF-style: chr14-101194764-A-G.
Other names: c.99A>G, p.Gln33= (NM_001317172.2).
Identifiers: ClinVar variation 731627 (VCV000731627.28), dbSNP rs13329039, ClinGen allele CA7346478.

ClinVar aggregate classification (germline): Benign/Likely benign. Review status: criteria provided, multiple submitters, no conflicts (2 of 4 stars). 3 submissions from 3 submitters: Benign (1); Likely benign (1). 1 of the submissions does not count toward it. Last evaluated 2025-11-01.

Conditions:
DLK1-related disorder. Also called: DLK1-related condition.

Allele frequency attached by ClinVar (database versions not stated): gnomAD exomes 0.00034 and 0.00068; ExAC 0.00066; ESP Exome Variant Server 0.00177; gnomAD 0.00208 and 0.00215; 1000 Genomes Project 0.00220; TOPMed 0.00263; 1000 Genomes Project 30x 0.00297.
gnomAD v4.1: 850 of 1,614,000 alleles (0.053%); highest among the groups gnomAD compares: African/African-American, 0.63%; 2 homozygotes.

Submissions (3):

CeGaT Center for Human Genetics Tuebingen
Classification: Likely benign. Last evaluated: 2025-11-01. Review status: criteria provided, single submitter. Criteria: CeGaT Center For Human Genetics Tuebingen Variant Classification Criteria Version 2. Collection method: clinical testing. Allele origin: germline. Affected: yes. Observed: 2 variant alleles.
Comment: DLK1: BP4, BP7

Labcorp Genetics (formerly Invitae), Labcorp
Classification: Benign. Last evaluated: 2018-06-21. Review status: criteria provided, single submitter. Criteria: Invitae Variant Classification Sherloc (09022015). Collection method: clinical testing. Allele origin: germline.

PreventionGenetics, part of Exact Sciences
Classification: Likely benign for DLK1-related condition. Last evaluated: 2019-11-25. Review status: no assertion criteria provided. Collection method: clinical testing. Allele origin: germline. Not counted in ClinVar's aggregate classification.
Comment: This variant is classified as likely benign based on ACMG/AMP sequence variant interpretation guidelines (Richards et al. 2015 PMID: 25741868, with internal and published modifications).